The following is an entry in ClinVar:

NM_002599.5(PDE2A):c.1940A>G (p.Lys647Arg)

Gene: PDE2A (phosphodiesterase 2A; minus strand). Cytogenetic location: 11q13.4.
Variant type: single nucleotide variant.
Coding change: c.1940A>G on transcript NM_002599.5 (MANE Select); coding-DNA position 1940, A replaced by G.
Protein change: p.Lys647Arg; replaces lysine 647 with arginine.
Molecular consequence: missense variant.
Genome position (GRCh38, 1-based): chr11:72,581,462, T>C on the plus strand (A>G on the coding strand, the complement: PDE2A is on the minus strand). VCF-style: chr11-72581462-T-C. GRCh37 (hg19) VCF-style: chr11-72292506-T-C.
Other names: c.1919A>G, p.Lys640Arg (NM_001143839.4); c.1913A>G, p.Lys638Arg (NM_001146209.3); c.1877A>G, p.Lys626Arg (NM_001243784.2); c.1940A>G (NM_002599.4); short protein forms K638R, K640R, K626R, K647R.
Identifiers: ClinVar variation 2730410 (VCV002730410.4), dbSNP rs374482713, ClinGen allele CA6171986.

ClinVar aggregate classification (germline): Uncertain significance. Review status: criteria provided, multiple submitters, no conflicts (2 of 4 stars). 2 submissions from 2 submitters: Uncertain significance (2). Last evaluated 2025-01-24.

Conditions:
Inborn genetic diseases. Identifiers: MedGen C0950123, MeSH D030342.

Allele frequency attached by ClinVar (database versions not stated): gnomAD exomes 0.00001; TOPMed 0.00002; ExAC 0.00003; gnomAD 0.00003; ESP Exome Variant Server 0.00008.
gnomAD v4.1: 12 of 1,599,992 alleles (0.00075%); highest among the groups gnomAD compares: African/African-American, 0.0013%; no homozygotes.

Submissions (2):

Ambry Genetics
Classification: Uncertain significance for Inborn genetic diseases. Last evaluated: 2025-01-24. Review status: criteria provided, single submitter. Criteria: Ambry Variant Classification Scheme 2023. Collection method: clinical testing. Allele origin: germline.

Labcorp Genetics (formerly Invitae), Labcorp
Classification: Uncertain significance. Last evaluated: 2022-11-11. Review status: criteria provided, single submitter. Criteria: Invitae Variant Classification Sherloc (09022015). Collection method: clinical testing. Allele origin: germline.
Comment: This variant has not been reported in the literature in individuals affected with PDE2A-related conditions. Algorithms developed to predict the effect of missense changes on protein structure and function (SIFT, PolyPhen-2, Align-GVGD) all suggest that this variant is likely to be tolerated. In summary, the available evidence is currently insufficient to determine the role of this variant in disease. Therefore, it has been classified as a Variant of Uncertain Significance. The frequency data for this variant in the population databases is considered unreliable, as metrics indicate poor data quality at this position in the gnomAD database. This sequence change replaces lysine, which is basic and polar, with arginine, which is basic and polar, at codon 647 of the PDE2A protein (p.Lys647Arg).